The following is an entry in ClinVar:

NM_213655.5(WNK1):c.2530C>T (p.Arg844Trp)

Gene: WNK1 (WNK lysine deficient protein kinase 1; plus strand). Cytogenetic location: 12p13.33.
Variant type: single nucleotide variant.
Coding change: c.2530C>T on transcript NM_213655.5 (MANE Plus Clinical); coding-DNA position 2530, C replaced by T.
Protein change: p.Arg844Trp; replaces arginine 844 with tryptophan.
Molecular consequence: missense variant. On other transcripts: intron variant (2).
Genome position (GRCh38, 1-based): chr12:868,001, C>T. VCF-style: chr12-868001-C-T. GRCh37 (hg19) VCF-style: chr12-977167-C-T.
Other names: c.2275C>T, p.Arg759Trp (NM_001184985.2); c.2140-3264C>T (NM_018979.4, NM_014823.3); short protein forms R759W, R844W.
Identifiers: ClinVar variation 1021641 (VCV001021641.8), dbSNP rs1951823640, ClinGen allele CA383339023.

ClinVar aggregate classification (germline): Uncertain significance (1 of 4 stars; one submission).

Conditions:
Pseudohypoaldosteronism type 2C (PHA2C). Also called: Pseudohypoaldosteronism Type IIC. Identifiers: Orphanet 757, Orphanet 88940, MedGen C1840391, MONDO:0013778, OMIM 614492.
Neuropathy, hereditary sensory and autonomic, type 2A (HSAN2A). Also called: ACROOSTEOLYSIS, GIACCAI TYPE; ACROOSTEOLYSIS, NEUROGENIC; MORVAN DISEASE; NEUROPATHY, CONGENITAL SENSORY; NEUROPATHY, HEREDITARY SENSORY RADICULAR, AUTOSOMAL RECESSIVE; NEUROPATHY, HEREDITARY SENSORY, TYPE IIA. Identifiers: Orphanet 970, MedGen C2752089, MONDO:0024309, OMIM 201300.

Allele frequency attached by ClinVar (database versions not stated): gnomAD exomes 0.00001.
gnomAD v4.1: 8 of 1,613,962 alleles (0.0005%); highest among the groups gnomAD compares: Non-Finnish European, 0.00059%; no homozygotes.

Submission:

Labcorp Genetics (formerly Invitae), Labcorp
Classification: Uncertain significance for Neuropathy, hereditary sensory and autonomic, type 2A; Pseudohypoaldosteronism type 2C. Last evaluated: 2022-11-17. Review status: criteria provided, single submitter. Criteria: Invitae Variant Classification Sherloc (09022015). Collection method: clinical testing. Allele origin: germline.
Comment: In summary, the available evidence is currently insufficient to determine the role of this variant in disease. Therefore, it has been classified as a Variant of Uncertain Significance. Algorithms developed to predict the effect of missense changes on protein structure and function are either unavailable or do not agree on the potential impact of this missense change (SIFT: "Deleterious"; PolyPhen-2: "Not Available"; Align-GVGD: "Class C25"). ClinVar contains an entry for this variant (Variation ID: 1021641). This variant has not been reported in the literature in individuals affected with WNK1-related conditions. This variant is not present in population databases (gnomAD no frequency). This sequence change replaces arginine, which is basic and polar, with tryptophan, which is neutral and slightly polar, at codon 844 of the WNK1 protein (p.Arg844Trp).